The following is an entry in ClinVar:

ClinVar aggregate classification (germline): Uncertain significance (1 of 4 stars; one submission).

Conditions:
Ectodermal dysplasia 10A, hypohidrotic/hair/nail type, autosomal dominant (ECTD10A). Also called: Ectodermal Dysplasia 3, Anhidrotic. Identifiers: Orphanet 1810, Orphanet 238468, MedGen C3888065, MONDO:0007509, OMIM 129490.
Autosomal recessive hypohidrotic ectodermal dysplasia syndrome. Also called: Autosomal recessive hypohidrotic ectodermal dysplasia. Identifiers: Orphanet 248, MedGen C0406702, MONDO:0016619.

Submission:

Labcorp Genetics (formerly Invitae), Labcorp
Classification: Uncertain significance for Ectodermal dysplasia 10A, hypohidrotic/hair/nail type, autosomal dominant; Autosomal recessive hypohidrotic ectodermal dysplasia syndrome. Last evaluated: 2018-11-04. Review status: criteria provided, single submitter. Criteria: Invitae Variant Classification Sherloc (09022015). Collection method: clinical testing. Allele origin: germline.
Comment: This sequence change replaces phenylalanine with serine at codon 381 of the EDAR protein (p.Phe381Ser). The phenylalanine residue is highly conserved and there is a large physicochemical difference between phenylalanine and serine. This variant is not present in population databases (ExAC no frequency). This variant has not been reported in the literature in individuals with EDAR-related disease. Algorithms developed to predict the effect of missense changes on protein structure and function (SIFT, PolyPhen-2, Align-GVGD) all suggest that this variant is likely to be disruptive, but these predictions have not been confirmed by published functional studies and their clinical significance is uncertain. In summary, the available evidence is currently insufficient to determine the role of this variant in disease. Therefore, it has been classified as a Variant of Uncertain Significance.

NM_022336.4(EDAR):c.1142T>C (p.Phe381Ser)

Genes: EDAR (ectodysplasin A receptor; minus strand), RANBP2 (RAN binding protein 2; plus strand). Cytogenetic location: 2q13.
Variant type: single nucleotide variant.
Coding change: c.1142T>C on transcript NM_022336.4 (MANE Select); coding-DNA position 1142, T replaced by C.
Protein change: p.Phe381Ser; replaces phenylalanine 381 with serine.
Molecular consequence: missense variant.
Genome position (GRCh38, 1-based): chr2:108,897,112, A>G on the plus strand (T>C on the coding strand, the complement: EDAR is on the minus strand). VCF-style: chr2-108897112-A-G. GRCh37 (hg19) VCF-style: chr2-109513568-A-G.
Other names: short protein forms F381S.
Identifiers: ClinVar variation 657780 (VCV000657780.10), dbSNP rs1574361959, ClinGen allele CA348048132.
Genomic context (GRCh38, chr2:108,897,112, plus strand): 5'-ATGCGGTCAAAGAGTTGCATGCCGTCTGTCATGCCCCCAATCTCATCCCTCTTCAGGCCG[A>G]AGCTCTCGGCGAGGTGGCGCCACGTTTTCACAACAGCCTTCTCAGAGTTGTACGTGGAGC-3'
Protein context (NP_071731.1, residues 371-391): VKTWRHLAES[Phe381Ser]GLKRDEIGGM